The following is an entry in ClinVar:

ClinVar aggregate classification (germline): Conflicting classifications of pathogenicity. Review status: criteria provided, conflicting classifications (1 of 4 stars). 4 submissions from 4 submitters: Likely pathogenic (2); Uncertain significance (2). Last evaluated 2025-11-04.

Conditions:
Nephronophthisis 15 (NPHP15). Identifiers: Orphanet 3156, MedGen C3541853, MONDO:0013917, OMIM 614845.
CEP164-related disorder. Also called: CEP164-related condition.

Allele frequency attached by ClinVar (database versions not stated): ExAC 0.00001; gnomAD 0.00001; gnomAD exomes 0.00003.
gnomAD v4.1: 46 of 1,613,650 alleles (0.0029%); highest among the groups gnomAD compares: Non-Finnish European, 0.0038%; no homozygotes.

Submissions (4):

PreventionGenetics, part of Exact Sciences
Classification: Uncertain significance for CEP164-related condition. Last evaluated: 2025-11-04. Review status: criteria provided, single submitter. Criteria: ACMG Guidelines, 2015. Collection method: clinical testing. Allele origin: germline.
Comment: The CEP164 c.1233+1G>A variant is predicted to disrupt the GT donor site and interfere with normal splicing. Skipping of this exon would predict to result in an inframe deletion of 27 amino acid residues. This variant has not been reported in the literature in individuals with CEP164-related disorders. This variant is reported in 0.00088% of alleles in individuals of European (Non-Finnish) descent in gnomAD. Although we suspect that this variant may be pathogenic, at this time, the clinical significance of this variant is uncertain due to the absence of conclusive functional and genetic evidence.

Labcorp Genetics (formerly Invitae), Labcorp
Classification: Likely pathogenic for Nephronophthisis 15. Last evaluated: 2025-09-22. Review status: criteria provided, single submitter. Criteria: Invitae Variant Classification Sherloc (09022015). Collection method: clinical testing. Allele origin: germline.
Comment: This sequence change affects a donor splice site in intron 10 of the CEP164 gene. It is expected to disrupt RNA splicing. Variants that disrupt the donor or acceptor splice site typically lead to a loss of protein function (PMID: 16199547), and loss-of-function variants in CEP164 are known to be pathogenic (PMID: 22863007, 28125082, 32367404, 34132027, 34499853). This variant is present in population databases (rs762768517, gnomAD 0.0009%). This variant has not been reported in the literature in individuals affected with CEP164-related conditions. ClinVar contains an entry for this variant (Variation ID: 2729692). Algorithms developed to predict the effect of sequence changes on RNA splicing suggest that this variant may disrupt the consensus splice site. In summary, the currently available evidence indicates that the variant is pathogenic, but additional data are needed to prove that conclusively. Therefore, this variant has been classified as Likely Pathogenic.

Fulgent Genetics
Classification: Likely pathogenic for Nephronophthisis 15. Last evaluated: 2024-06-03. Review status: criteria provided, single submitter. Criteria: ACMG Guidelines, 2015. Collection method: clinical testing. Allele origin: germline.

Blueprint Genetics
Classification: Uncertain significance. Last evaluated: 2024-01-09. Review status: criteria provided, single submitter. Criteria: ACMG Guidelines, 2015. Collection method: clinical testing. Allele origin: germline.

Literature cited by the submitters: PubMed 16199547 (cited by Labcorp Genetics (formerly Invitae), Labcorp); PubMed 22863007 (cited by Labcorp Genetics (formerly Invitae), Labcorp); PubMed 28125082 (cited by Labcorp Genetics (formerly Invitae), Labcorp); PubMed 32367404 (cited by Labcorp Genetics (formerly Invitae), Labcorp); PubMed 34132027 (cited by Labcorp Genetics (formerly Invitae), Labcorp); PubMed 34499853 (cited by Labcorp Genetics (formerly Invitae), Labcorp).

NM_014956.5(CEP164):c.1233+1G>A

Gene: CEP164 (centrosomal protein 164; plus strand). Cytogenetic location: 11q23.3.
Variant type: single nucleotide variant.
Coding change: c.1233+1G>A on transcript NM_014956.5 (MANE Select); the canonical splice donor site of the intron after coding-DNA position 1233, G replaced by A.
Molecular consequence: splice donor variant.
Genome position (GRCh38, 1-based): chr11:117,373,832, G>A. VCF-style: chr11-117373832-G-A. GRCh37 (hg19) VCF-style: chr11-117244548-G-A.
Other names: c.1233+1G>A (NM_001271933.2, NM_014956.4).
Identifiers: ClinVar variation 2729692 (VCV002729692.6), dbSNP rs762768517, ClinGen allele CA6294677.
Genomic context (GRCh38, chr11:117,373,832, plus strand): 5'-ATGAAGGAACCACAGCTCTCAGACTCCATAGCTTCTGACCCCAAGTCCTTCCATGGCCTG[G>A]TGAGTTTGAGATGAGGGCAGTAGAGTGGTGGTGAAGAGCATAGATTTGTGAGCCTCCAGG-3'